The following is an entry in ClinVar:

ClinVar aggregate classification (germline): Pathogenic (1 of 4 stars; one submission).

Conditions:
Primary ciliary dyskinesia. Also called: Ciliary dyskinesia. Identifiers: Orphanet 244, MedGen C0008780, MONDO:0016575, HP:0012265.

Submission:

Labcorp Genetics (formerly Invitae), Labcorp
Classification: Pathogenic for Primary ciliary dyskinesia. Last evaluated: 2023-09-17. Review status: criteria provided, single submitter. Criteria: Invitae Variant Classification Sherloc (09022015). Collection method: clinical testing. Allele origin: germline.
Comment: For these reasons, this variant has been classified as Pathogenic. This sequence change creates a premature translational stop signal (p.Ser3040Tyrfs*2) in the DNAH11 gene. It is expected to result in an absent or disrupted protein product. Loss-of-function variants in DNAH11 are known to be pathogenic (PMID: 18022865, 20513915, 22184204). This variant is not present in population databases (gnomAD no frequency). This variant has not been reported in the literature in individuals affected with DNAH11-related conditions.

Literature cited by the submitters: PubMed 18022865; PubMed 20513915; PubMed 22184204.

NM_001277115.2(DNAH11):c.9119_9120del (p.Ser3040fs)

Gene: DNAH11 (dynein axonemal heavy chain 11; plus strand). Cytogenetic location: 7p15.3.
Variant type: Microsatellite.
Coding change: c.9119_9120del on transcript NM_001277115.2 (MANE Select); coding-DNA positions 9119 to 9120, 2 bases deleted (CT; older notation c.9119_9120delCT).
Protein change: p.Ser3040fs; shifts the reading frame from serine 3040.
Molecular consequence: frameshift variant.
Genome position (GRCh38, 1-based): chr7:21,773,782-21,773,783, CT deleted; deleting any 2 consecutive bases within chr7:21,773,780-21,773,783 gives the same sequence; the c. name uses the placement nearest the transcript's 3' end. VCF-style (leftmost placement, unchanged base first): chr7-21773779-ACT-A. GRCh37 (hg19) VCF-style: chr7-21813397-ACT-A.
Other names: c.9138_9139CT[1], p.Ser3047Tyrfs (NM_003777.3); short protein forms S3040fs.
Identifiers: ClinVar variation 2761165 (VCV002761165.3), dbSNP rs1787541407, ClinGen allele CA1693661039.
Genomic context (GRCh38, chr7:21,773,779, plus strand): 5'-TTTAATTTGAGAGGATTTCACATGAACTGTAATGTTTGTGTTTTCAGCCAGTGCACAAAG[ACT>A]CTATTAGCCTTTTCATGGCACATGTTCACACCACTGTAAATGAAATGAGTACCAGATATT-3'